The following is an entry in ClinVar:

NM_018051.5(DYNC2I1):c.2794G>A (p.Gly932Arg)

Gene: DYNC2I1 (dynein 2 intermediate chain 1; plus strand). Cytogenetic location: 7q36.3.
Variant type: single nucleotide variant.
Coding change: c.2794G>A on transcript NM_018051.5 (MANE Select); coding-DNA position 2794, G replaced by A.
Protein change: p.Gly932Arg; replaces glycine 932 with arginine.
Molecular consequence: missense variant.
Genome position (GRCh38, 1-based): chr7:158,941,940, G>A. VCF-style: chr7-158941940-G-A. GRCh37 (hg19) VCF-style: chr7-158734631-G-A.
Other names: c.2656G>A, p.Gly886Arg (NM_001350914.2); c.2221G>A, p.Gly741Arg (NM_001350915.2); c.1333G>A, p.Gly445Arg (NM_001350916.2); c.1546G>A, p.Gly516Arg (NM_001350917.2, NM_001350918.2); short protein forms G445R, G516R, G741R, G886R, G932R.
Identifiers: ClinVar variation 2636836 (VCV002636836.2), dbSNP rs1266045724, ClinGen allele CA370189946.
Genomic context (GRCh38, chr7:158,941,940, plus strand): 5'-AAGAAAAAGGCCATGCTCAGCAGTGTTCTTTCTTCCTGGTCATAGGCCGGCTGTTCGGAC[G>A]GAAGCATCAGGCTGCACCAGCTGAGCTCCGCGTTTCCGCTCCTGCAGTGGGACAGCAGCA-3'
Protein context (NP_060521.4, residues 922-942): EPIFLAGCSD[Gly932Arg]SIRLHQLSSA

ClinVar aggregate classification (germline): Uncertain significance (0 of 4 stars; one submission).

Conditions:
DYNC2I1-related disorder. Also called: DYNC2I1-related condition.

Allele frequency attached by ClinVar (database versions not stated): TOPMed below 0.00001; gnomAD 0.00001.
gnomAD v4.1: 10 of 1,606,938 alleles (0.00062%); highest among the groups gnomAD compares: South Asian, 0.0011%; no homozygotes.

Submission:

PreventionGenetics, part of Exact Sciences
Classification: Uncertain significance for DYNC2I1-related condition. Last evaluated: 2024-04-18. Review status: no assertion criteria provided. Collection method: clinical testing. Allele origin: germline.
Comment: The DYNC2I1 c.2794G>A variant is predicted to result in the amino acid substitution p.Gly932Arg. To our knowledge, this variant has not been reported in the literature or in a large population database, indicating this variant is rare. At this time, the clinical significance of this variant is uncertain due to the absence of conclusive functional and genetic evidence.